The following is an entry in ClinVar:

ClinVar aggregate classification (germline): Uncertain significance (1 of 4 stars; one submission).

Conditions:
Cohen syndrome (COH1). Also called: PEPPER SYNDROME; Cutis verticis gyrata, retinitis pigmentosa, and sensorineural deafness. Identifiers: Orphanet 193, MedGen C0265223, MONDO:0008999, OMIM 216550.

Allele frequency attached by ClinVar (database versions not stated): gnomAD exomes below 0.00001.
gnomAD v4.1: 1 of 1,613,464 alleles (0.000062%); highest among the groups gnomAD compares: Non-Finnish European, 0.000085%; no homozygotes.

Submission:

Labcorp Genetics (formerly Invitae), Labcorp
Classification: Uncertain significance for Cohen syndrome. Last evaluated: 2024-10-24. Review status: criteria provided, single submitter. Criteria: Invitae Variant Classification Sherloc (09022015). Collection method: clinical testing. Allele origin: germline.
Comment: This sequence change replaces aspartic acid, which is acidic and polar, with glycine, which is neutral and non-polar, at codon 2042 of the VPS13B protein (p.Asp2042Gly). This variant is not present in population databases (gnomAD no frequency). This variant has not been reported in the literature in individuals affected with VPS13B-related conditions. ClinVar contains an entry for this variant (Variation ID: 1438650). Invitae Evidence Modeling of protein sequence and biophysical properties (such as structural, functional, and spatial information, amino acid conservation, physicochemical variation, residue mobility, and thermodynamic stability) has been performed for this missense variant. However, the output from this modeling did not meet the statistical confidence thresholds required to predict the impact of this variant on VPS13B protein function. In summary, the available evidence is currently insufficient to determine the role of this variant in disease. Therefore, it has been classified as a Variant of Uncertain Significance.

NM_152564.5(VPS13B):c.6050A>G (p.Asp2017Gly)

Gene: VPS13B (vacuolar protein sorting 13 homolog B; plus strand). Cytogenetic location: 8q22.2.
Variant type: single nucleotide variant.
Coding change: c.6050A>G on transcript NM_152564.5 (MANE Select); coding-DNA position 6050, A replaced by G.
Protein change: p.Asp2017Gly; replaces aspartic acid 2017 with glycine.
Molecular consequence: missense variant.
Genome position (GRCh38, 1-based): chr8:99,699,528, A>G. VCF-style: chr8-99699528-A-G. GRCh37 (hg19) VCF-style: chr8-100711756-A-G.
Other names: c.6125A>G, p.Asp2042Gly (NM_017890.5); short protein forms D2042G, D2017G.
Identifiers: ClinVar variation 1438650 (VCV001438650.6), dbSNP rs1157627196, ClinGen allele CA371873735.
Genomic context (GRCh38, chr8:99,699,528, plus strand): 5'-AGGCTTGTATTCAGTAAGAAAGCTTCAATAATTGTTTTCTCTTTTTTACTTCTATAGCGG[A>G]TGTCAATTTGGATATATCAAAGCCTTTGAAAGCAAACCTGAGTTTCACCAAACTGGATCA-3'
Protein context (NP_689777.3, residues 2007-2027): QIKDFLNGPA[Asp2017Gly]VNLDISKPLK